The following is an entry in ClinVar:

NM_030662.4(MAP2K2):c.982G>A (p.Glu328Lys)

Gene: MAP2K2 (mitogen-activated protein kinase kinase 2; minus strand). Cytogenetic location: 19p13.3.
Variant type: single nucleotide variant.
Coding change: c.982G>A on transcript NM_030662.4 (MANE Select); coding-DNA position 982, G replaced by A.
Protein change: p.Glu328Lys; replaces glutamic acid 328 with lysine.
Molecular consequence: missense variant. On other transcripts: intron variant (1).
Genome position (GRCh38, 1-based): chr19:4,097,281, C>T on the plus strand (G>A on the coding strand, the complement: MAP2K2 is on the minus strand). VCF-style: chr19-4097281-C-T. GRCh37 (hg19) VCF-style: chr19-4097279-C-T.
Other names: c.412G>A, p.Glu138Lys (NM_001440689.1); c.706-1832G>A (NM_001440688.1); short protein forms E328K, E138K.
Identifiers: ClinVar variation 4705647 (VCV004705647.1).
Genomic context (GRCh38, chr19:4,097,281, plus strand): 5'-AAAAAAAAGAAAGAAGAAAGAAAAGGAAAAGAAAAGCCAAAAGGCATCAAGCACAAACCT[C>T]GTTCACAATATAGTCCAGGAGTTCAAAGATGGCCATGGCAGGCCGGCTATCCATCCCGTG-3'
Protein context (NP_109587.1, residues 318-338): IFELLDYIVN[Glu328Lys]PPPKLPNGVF

ClinVar aggregate classification (germline): Uncertain significance (1 of 4 stars; one submission).

Conditions:
RASopathy. Also called: rasopathies; Noonan spectrum disorder. Identifiers: Orphanet 536391, MedGen C5555857, MONDO:0021060.

gnomAD v4.1: 3 of 1,610,694 alleles (0.00019%); highest among the groups gnomAD compares: African/African-American, 0.0027%; no homozygotes.

Submission:

Labcorp Genetics (formerly Invitae), Labcorp
Classification: Uncertain significance for RASopathy. Last evaluated: 2025-06-08. Review status: criteria provided, single submitter. Criteria: Invitae Variant Classification Sherloc (09022015). Collection method: clinical testing. Allele origin: germline.
Comment: This sequence change replaces glutamic acid, which is acidic and polar, with lysine, which is basic and polar, at codon 328 of the MAP2K2 protein (p.Glu328Lys). This variant is not present in population databases (gnomAD no frequency). This variant has not been reported in the literature in individuals affected with MAP2K2-related conditions. An algorithm developed to predict the effect of missense changes on protein structure and function (PolyPhen-2) suggests that this variant is likely to be disruptive. In summary, the available evidence is currently insufficient to determine the role of this variant in disease. Therefore, it has been classified as a Variant of Uncertain Significance.